The following is an entry in ClinVar:

ClinVar aggregate classification (germline): Uncertain significance (1 of 4 stars; one submission).

gnomAD v4.1: 1 of 1,422,224 alleles (0.00007%); highest among the groups gnomAD compares: Non-Finnish European, 0.000091%; no homozygotes.

Submission:

Labcorp Genetics (formerly Invitae), Labcorp
Classification: Uncertain significance. Last evaluated: 2024-02-27. Review status: criteria provided, single submitter. Criteria: Invitae Variant Classification Sherloc (09022015). Collection method: clinical testing. Allele origin: germline.
Comment: This sequence change replaces cysteine, which is neutral and slightly polar, with tyrosine, which is neutral and polar, at codon 13 of the OTOG protein (p.Cys13Tyr). This variant is not present in population databases (gnomAD no frequency). This variant has not been reported in the literature in individuals affected with OTOG-related conditions. An algorithm developed to predict the effect of missense changes on protein structure and function (PolyPhen-2) suggests that this variant is likely to be disruptive. In summary, the available evidence is currently insufficient to determine the role of this variant in disease. Therefore, it has been classified as a Variant of Uncertain Significance.

NM_001292063.2(OTOG):c.38G>A (p.Cys13Tyr)

Gene: OTOG (otogelin; plus strand). Cytogenetic location: 11p15.1.
Variant type: single nucleotide variant.
Coding change: c.38G>A on transcript NM_001292063.2 (MANE Select); coding-DNA position 38, G replaced by A.
Protein change: p.Cys13Tyr; replaces cysteine 13 with tyrosine.
Molecular consequence: missense variant.
Genome position (GRCh38, 1-based): chr11:17,547,410, G>A. VCF-style: chr11-17547410-G-A. GRCh37 (hg19) VCF-style: chr11-17568957-G-A.
Other names: c.38G>A, p.Cys13Tyr (NM_001277269.2); short protein forms C13Y.
Identifiers: ClinVar variation 3605492 (VCV003605492.2).